The following is an entry in ClinVar:

ClinVar aggregate classification (germline): Conflicting classifications of pathogenicity. Review status: criteria provided, conflicting classifications (1 of 4 stars). 6 submissions from 6 submitters: Uncertain significance (1); Benign (1); Likely benign (3). 1 of the submissions does not count toward it. Last evaluated 2026-01-22.

Conditions:
GFI1-related disorder. Also called: GFI1-related condition.
Neutropenia, severe congenital, 2, autosomal dominant. Identifiers: Orphanet 486, MedGen C2751288, MONDO:0013139, OMIM 613107.

Submissions (6):

Women's Health and Genetics/Laboratory Corporation of America, LabCorp
Classification: Benign. Last evaluated: 2026-01-22. Review status: criteria provided, single submitter. Criteria: LabCorp Variant Classification Summary - May 2015. Collection method: clinical testing. Allele origin: germline.
Comment: Variant summary: GFI1 c.925-18_925-5dup14 is located at a position not widely known to affect splicing. Consensus agreement among computation tools predicts no significant impact on normal splicing. However, these predictions have yet to be confirmed by functional studies. The variant allele was found at a frequency of 0.0051 in 1512184 control chromosomes in the gnomAD database, including 42 homozygotes. The observed variant frequency exceeds the estimated maximal expected allele frequency for disease-causing variants in GFI1. To our knowledge, no occurrence of c.925-18_925-5dup14 in individuals affected with GFI1-related conditions and no experimental evidence demonstrating its impact on protein function have been reported. ClinVar contains an entry for this variant (Variation ID: 298181). Based on the evidence outlined above, the variant was classified as benign.

Labcorp Genetics (formerly Invitae), Labcorp
Classification: Likely benign for Neutropenia, severe congenital, 2, autosomal dominant. Last evaluated: 2025-12-01. Review status: criteria provided, single submitter. Criteria: Invitae Variant Classification Sherloc (09022015). Collection method: clinical testing. Allele origin: germline.

Mayo Clinic Laboratories, Mayo Clinic
Classification: Likely benign. Last evaluated: 2024-12-16. Review status: criteria provided, single submitter. Criteria: ACMG Guidelines, 2015. Collection method: clinical testing. Allele origin: germline. Observed: 12 variant alleles.
Comment: BP4, BP7

Blueprint Genetics
Classification: Likely benign. Last evaluated: 2024-11-26. Review status: criteria provided, single submitter. Criteria: ACMG Guidelines, 2015. Collection method: clinical testing. Allele origin: germline.

Genomic Medicine Center of Excellence, King Faisal Specialist Hospital and Research Centre
Classification: Uncertain significance for Neutropenia, severe congenital, 2, autosomal dominant. Last evaluated: 2024-09-22. Review status: criteria provided, single submitter. Criteria: ACMG Guidelines, 2015. Collection method: clinical testing. Allele origin: germline.

PreventionGenetics, part of Exact Sciences
Classification: Likely benign for GFI1-related condition. Last evaluated: 2020-11-30. Review status: no assertion criteria provided. Collection method: clinical testing. Allele origin: germline. Not counted in ClinVar's aggregate classification.
Comment: This variant is classified as likely benign based on ACMG/AMP sequence variant interpretation guidelines (Richards et al. 2015 PMID: 25741868, with internal and published modifications).

NM_005263.5(GFI1):c.925-40CT[25]

Gene: GFI1 (growth factor independent 1 transcriptional repressor; minus strand). Cytogenetic location: 1p22.1.
Variant type: Microsatellite.
Coding change: c.925-40CT[25] on transcript NM_005263.5 (MANE Select); 25 copies in a row of the 2-base unit CT starting at c.925-40; the reference has 18 copies in a row; seven copies, 14 bases duplicated.
Molecular consequence: intron variant.
Genome position (GRCh38, 1-based): chr1:92,478,758-92,478,771, AGAGAGAGAGAGAG duplicated on the plus strand (CTCTCTCTCTCTCT on the coding strand, the reverse complement: GFI1 is on the minus strand); duplicating any 14 consecutive bases within chr1:92,478,758-92,478,794 gives the same sequence; the position shown is the placement nearest the transcript's 3' end. VCF-style (leftmost placement, unchanged base first): chr1-92478757-C-CAGAGAGAGAGAGAG. GRCh37 (hg19) VCF-style: chr1-92944314-C-CAGAGAGAGAGAGAG.
Other names: p.?; c.925-18_925-5dup (NM_001127216.2, NM_005263.5); c.925-18_925-5dupCTCTCTCTCTCTCT (NM_005263.3); c.925-40CT[25] (NM_001127216.3, NM_001127215.3); c.925-18_925-5dup14 (NM_005263.5).
Identifiers: ClinVar variation 298181 (VCV000298181.19), dbSNP rs35896485, ClinGen allele CA10611589.